The following is an entry in ClinVar:

NM_001122955.4(BSCL2):c.928C>G (p.Leu310Val)

Genes: BSCL2 (BSCL2 lipid droplet biogenesis associated, seipin; minus strand), HNRNPUL2-BSCL2 (HNRNPUL2-BSCL2 readthrough (NMD candidate); minus strand). Cytogenetic location: 11q12.3.
Variant type: single nucleotide variant.
Coding change: c.928C>G on transcript NM_001122955.4 (MANE Select); coding-DNA position 928, C replaced by G.
Protein change: p.Leu310Val; replaces leucine 310 with valine.
Molecular consequence: missense variant. On other transcripts: intron variant (1), non-coding transcript variant (1).
Genome position (GRCh38, 1-based): chr11:62,691,357, G>C on the plus strand (C>G on the coding strand, the complement: BSCL2 is on the minus strand). VCF-style: chr11-62691357-G-C. GRCh37 (hg19) VCF-style: chr11-62458829-G-C.
Other names: c.928C>G, p.Leu310Val (NM_001386027.1, NM_001386028.1); c.736C>G, p.Leu246Val (NM_032667.6); c.672-216C>G (NM_001130702.2); short protein forms L310V, L246V.
Identifiers: ClinVar variation 3690389 (VCV003690389.2).

ClinVar aggregate classification (germline): Uncertain significance (1 of 4 stars; one submission).

Conditions:
Charcot-Marie-Tooth disease type 2. Also called: Charcot-Marie-Tooth type 2. Identifiers: Orphanet 64746, MedGen C0270914, MONDO:0018993.

Submission:

Labcorp Genetics (formerly Invitae), Labcorp
Classification: Uncertain significance for Charcot-Marie-Tooth disease type 2. Last evaluated: 2024-03-29. Review status: criteria provided, single submitter. Criteria: Invitae Variant Classification Sherloc (09022015). Collection method: clinical testing. Allele origin: germline.
Comment: This sequence change replaces leucine, which is neutral and non-polar, with valine, which is neutral and non-polar, at codon 246 of the BSCL2 protein (p.Leu246Val). This variant is not present in population databases (gnomAD no frequency). This variant has not been reported in the literature in individuals affected with BSCL2-related conditions. Advanced modeling of protein sequence and biophysical properties (such as structural, functional, and spatial information, amino acid conservation, physicochemical variation, residue mobility, and thermodynamic stability) performed at Invitae indicates that this missense variant is not expected to disrupt BSCL2 protein function with a negative predictive value of 80%. In summary, the available evidence is currently insufficient to determine the role of this variant in disease. Therefore, it has been classified as a Variant of Uncertain Significance.